The following is an entry in ClinVar:

NM_004168.4(SDHA):c.128C>T (p.Ala43Val)

Gene: SDHA (succinate dehydrogenase complex flavoprotein subunit A; plus strand). Cytogenetic location: 5p15.33.
Variant type: single nucleotide variant.
Coding change: c.128C>T on transcript NM_004168.4 (MANE Select); coding-DNA position 128, C replaced by T.
Protein change: p.Ala43Val; replaces alanine 43 with valine.
Molecular consequence: missense variant.
Genome position (GRCh38, 1-based): chr5:223,546, C>T. VCF-style: chr5-223546-C-T. GRCh37 (hg19) VCF-style: chr5-223661-C-T.
Other names: c.128C>T, p.Ala43Val (NM_001294332.2, NM_001330758.2); short protein forms A43V.
Identifiers: ClinVar variation 2452798 (VCV002452798.6), dbSNP rs2477280712, ClinGen allele CA359008248.

ClinVar aggregate classification (germline): Uncertain significance. Review status: criteria provided, multiple submitters, no conflicts (2 of 4 stars). 2 submissions from 2 submitters: Uncertain significance (2). Last evaluated 2025-07-15.

Conditions:
Mitochondrial complex II deficiency, nuclear type 1. Also called: SUCCINATE CoQ REDUCTASE DEFICIENCY. Identifiers: Orphanet 3208, MedGen C5700310, MONDO:0100294, OMIM 252011.
Pheochromocytoma/paraganglioma syndrome 5. Also called: Paragangliomas 5; SDHA-Related Hereditary Paraganglioma-Pheochromocytoma Syndrome. Identifiers: Orphanet 29072, MedGen C3279992, MONDO:0013602, OMIM 614165.
Hereditary cancer-predisposing syndrome. Also called: Neoplastic Syndromes, Hereditary; Tumor predisposition; Hereditary Cancer Syndrome; Hereditary neoplastic syndrome. Identifiers: Orphanet 140162, MedGen C0027672, MeSH D009386, MONDO:0015356.

Submissions (2):

Ambry Genetics
Classification: Uncertain significance for Hereditary cancer-predisposing syndrome. Last evaluated: 2025-07-15. Review status: criteria provided, single submitter. Criteria: Ambry Variant Classification Scheme 2023. Collection method: clinical testing. Allele origin: germline.
Comment: The p.A43V variant (also known as c.128C>T), located in coding exon 2 of the SDHA gene, results from a C to T substitution at nucleotide position 128. The alanine at codon 43 is replaced by valine, an amino acid with similar properties. This amino acid position is conserved. In addition, this alteration is predicted to be tolerated by in silico analysis. Since supporting evidence is limited at this time, the clinical significance of this alteration remains unclear.

Labcorp Genetics (formerly Invitae), Labcorp
Classification: Uncertain significance for Pheochromocytoma/paraganglioma syndrome 5; Mitochondrial complex II deficiency, nuclear type 1. Last evaluated: 2023-08-29. Review status: criteria provided, single submitter. Criteria: Invitae Variant Classification Sherloc (09022015). Collection method: clinical testing. Allele origin: germline.
Comment: This sequence change replaces alanine, which is neutral and non-polar, with valine, which is neutral and non-polar, at codon 43 of the SDHA protein (p.Ala43Val). In summary, the available evidence is currently insufficient to determine the role of this variant in disease. Therefore, it has been classified as a Variant of Uncertain Significance. Advanced modeling of protein sequence and biophysical properties (such as structural, functional, and spatial information, amino acid conservation, physicochemical variation, residue mobility, and thermodynamic stability) performed at Invitae indicates that this missense variant is not expected to disrupt SDHA protein function. ClinVar contains an entry for this variant (Variation ID: 2452798). This variant has not been reported in the literature in individuals affected with SDHA-related conditions. This variant is not present in population databases (gnomAD no frequency).